The following is an entry in ClinVar:

ClinVar aggregate classification (germline): Uncertain significance. Review status: criteria provided, single submitter (1 of 4 stars). 2 submissions from 2 submitters: Uncertain significance (1). 1 of the submissions does not count toward it. Last evaluated 2022-08-02.

Conditions:
Autosomal recessive retinitis pigmentosa. Identifiers: MedGen C0339526.

Allele frequency attached by ClinVar (database versions not stated): gnomAD exomes below 0.00001 and 0.00001.
gnomAD v4.1: 1 of 1,550,878 alleles (0.000064%); highest among the groups gnomAD compares: East Asian, 0.0024%; no homozygotes.

Submissions (2):

Labcorp Genetics (formerly Invitae), Labcorp
Classification: Uncertain significance. Last evaluated: 2022-08-02. Review status: criteria provided, single submitter. Criteria: Invitae Variant Classification Sherloc (09022015). Collection method: clinical testing. Allele origin: germline.
Comment: This sequence change replaces arginine, which is basic and polar, with lysine, which is basic and polar, at codon 1705 of the EYS protein (p.Arg1705Lys). This variant is present in population databases (no rsID available, gnomAD 0.01%). This variant has not been reported in the literature in individuals affected with EYS-related conditions. ClinVar contains an entry for this variant (Variation ID: 992125). Algorithms developed to predict the effect of missense changes on protein structure and function (SIFT, PolyPhen-2, Align-GVGD) all suggest that this variant is likely to be tolerated. In summary, the available evidence is currently insufficient to determine the role of this variant in disease. Therefore, it has been classified as a Variant of Uncertain Significance.

Natera, Inc.
Classification: Uncertain significance for Autosomal recessive retinitis pigmentosa. Last evaluated: 2020-08-07. Review status: no assertion criteria provided. Collection method: clinical testing. Allele origin: germline. Not counted in ClinVar's aggregate classification.

NM_001142800.2(EYS):c.5114G>A (p.Arg1705Lys)

Gene: EYS (eyes shut homolog; minus strand). Cytogenetic location: 6q12.
Variant type: single nucleotide variant.
Coding change: c.5114G>A on transcript NM_001142800.2 (MANE Select); coding-DNA position 5114, G replaced by A.
Protein change: p.Arg1705Lys; replaces arginine 1705 with lysine.
Molecular consequence: missense variant.
Genome position (GRCh38, 1-based): chr6:64,590,753, C>T on the plus strand (G>A on the coding strand, the complement: EYS is on the minus strand). VCF-style: chr6-64590753-C-T. GRCh37 (hg19) VCF-style: chr6-65300646-C-T.
Other names: c.5114G>A, p.Arg1705Lys (NM_001292009.2); short protein forms R1705K.
Identifiers: ClinVar variation 992125 (VCV000992125.3), dbSNP rs1260159911, ClinGen allele CA364781823.